The following is an entry in ClinVar:

ClinVar aggregate classification (germline): Likely benign. Review status: criteria provided, multiple submitters, no conflicts (2 of 4 stars). 9 submissions from 9 submitters: Likely benign (8). 1 of the submissions does not count toward it. Last evaluated 2026-01-12.

Conditions:
Inborn genetic diseases. Identifiers: MedGen C0950123, MeSH D030342.
Wilson disease (WND). Also called: Wilson's disease. Identifiers: Orphanet 905, MedGen C0019202, MONDO:0010200, OMIM 277900. Disease mechanism: loss of function.
ATP7B-related disorder. Also called: ATP7B-related condition.

Allele frequency attached by ClinVar (database versions not stated): ExAC 0.00005; gnomAD exomes 0.00005 and 0.00009; gnomAD 0.00009 and 0.00010; TOPMed 0.00012.
gnomAD v4.1: 90 of 1,613,816 alleles (0.0056%); highest among the groups gnomAD compares: East Asian, 0.067%; no homozygotes.

Submissions (9):

PreventionGenetics, part of Exact Sciences
Classification: Likely benign for ATP7B-related condition. Last evaluated: 2026-01-12. Review status: criteria provided, single submitter. Criteria: ACMG Guidelines, 2015. Collection method: clinical testing. Allele origin: germline.
Comment: This variant is classified as likely benign based on ACMG/AMP sequence variant interpretation guidelines (Richards et al. 2015 PMID: 25741868, with internal and published modifications).

Labcorp Genetics (formerly Invitae), Labcorp
Classification: Likely benign for Wilson disease. Last evaluated: 2026-01-04. Review status: criteria provided, single submitter. Criteria: Invitae Variant Classification Sherloc (09022015). Collection method: clinical testing. Allele origin: germline.

Blueprint Genetics
Classification: Likely benign. Last evaluated: 2024-09-24. Review status: criteria provided, single submitter. Criteria: ACMG Guidelines, 2015. Collection method: clinical testing. Allele origin: germline.

All of Us Research Program, National Institutes of Health
Classification: Likely benign for Wilson disease. Last evaluated: 2024-02-05. Review status: criteria provided, single submitter. Criteria: ACMG Guidelines, 2015. Collection method: clinical testing. Allele origin: germline. Inheritance: Autosomal recessive inheritance. Observed: 9 variant alleles, 9 heterozygotes.
Comment: This study involves interpretation of variants in research participants for the purpose of population health screening. Participant phenotype was not available at the time of variant classification. Additional details can be found in publication PMID: 35346344, PMCID: PMC8962531

CeGaT Center for Human Genetics Tuebingen
Classification: Likely benign. Last evaluated: 2024-01-01. Review status: criteria provided, single submitter. Criteria: CeGaT Center For Human Genetics Tuebingen Variant Classification Criteria Version 2. Collection method: clinical testing. Allele origin: germline. Affected: yes. Observed: 1 variant allele.
Comment: ATP7B: BP4, BP7

Ambry Genetics
Classification: Likely benign for Inborn genetic diseases. Last evaluated: 2023-01-15. Review status: criteria provided, single submitter. Criteria: Ambry Variant Classification Scheme 2023. Collection method: clinical testing. Allele origin: germline.

Color Diagnostics, LLC DBA Color Health
Classification: Likely benign for Wilson disease. Last evaluated: 2022-10-20. Review status: criteria provided, single submitter. Criteria: ACMG Guidelines, 2015. Collection method: clinical testing. Allele origin: germline.

Women's Health and Genetics/Laboratory Corporation of America, LabCorp
Classification: Likely benign. Last evaluated: 2019-08-21. Review status: criteria provided, single submitter. Criteria: LabCorp Variant Classification Summary - May 2015. Collection method: clinical testing. Allele origin: germline.

Natera, Inc.
Classification: Likely benign for Wilson disease. Last evaluated: 2020-11-18. Review status: no assertion criteria provided. Collection method: clinical testing. Allele origin: germline. Not counted in ClinVar's aggregate classification.

NM_000053.4(ATP7B):c.2028C>T (p.Asn676=)

Gene: ATP7B (ATPase copper transporting beta; minus strand). Cytogenetic location: 13q14.3.
Variant type: single nucleotide variant.
Coding change: c.2028C>T on transcript NM_000053.4 (MANE Select); coding-DNA position 2028, C replaced by T.
Protein change: p.Asn676=; no amino-acid change (asparagine 676 retained).
Molecular consequence: synonymous variant. On other transcripts: intron variant (2).
Genome position (GRCh38, 1-based): chr13:51,960,241, G>A on the plus strand (C>T on the coding strand, the complement: ATP7B is on the minus strand). VCF-style: chr13-51960241-G-A. GRCh37 (hg19) VCF-style: chr13-52534377-G-A.
Other names: c.1695C>T, p.Asn565= (NM_001243182.2); c.2028C>T, p.Asn676= (NM_001330578.2); c.1870-2634C>T (NM_001005918.3); c.1870-1697C>T (NM_001330579.2).
Identifiers: ClinVar variation 632667 (VCV000632667.44), dbSNP rs764441090, ClinGen allele CA6989134.
Genomic context (GRCh38, chr13:51,960,241, plus strand): 5'-ATTTAGAATGGACAGTCCTGGAATGATGTTGTGGTCCAGGACCATGGACTGGTGGGGCTC[G>A]TTGCTGGGTATCAGCATATAGATCATTAAGGCCATGACAGGGATGCCAAACACCAGGCTG-3'
Protein context (NP_000044.2, residues 666-686): ALMIYMLIPS[Asn676=]EPHQSMVLDH